The following is an entry in ClinVar:

NM_000130.5(F5):c.5793C>G (p.Tyr1931Ter)

Gene: F5 (coagulation factor V; minus strand). Cytogenetic location: 1q24.2.
Variant type: single nucleotide variant.
Coding change: c.5793C>G on transcript NM_000130.5 (MANE Select); coding-DNA position 5793, C replaced by G.
Protein change: p.Tyr1931Ter; replaces tyrosine 1931 with a stop codon.
Molecular consequence: nonsense.
Genome position (GRCh38, 1-based): chr1:169,523,900, G>C on the plus strand (C>G on the coding strand, the complement: F5 is on the minus strand). VCF-style: chr1-169523900-G-C. GRCh37 (hg19) VCF-style: chr1-169493138-G-C.
Other names: short protein forms Y1931*.
Identifiers: ClinVar variation 2896674 (VCV002896674.3), dbSNP rs1189685462, ClinGen allele CA343123533.
Genomic context (GRCh38, chr1:169,523,900, plus strand): 5'-TTCTACACTCCAAGCATTATAAGATCCACCATTGTTTAATCTTGCTAATCTGGGCTCCCA[G>C]TAACCTAAACTCAAGGGAAGAAAAAGATTTATTCTGAATTTTTTAAAAACCCAGCAATTT-3'

ClinVar aggregate classification (germline): Pathogenic (1 of 4 stars; one submission).

Conditions:
Congenital factor V deficiency. Also called: LABILE FACTOR DEFICIENCY; OWREN PARAHEMOPHILIA; PARAHEMOPHILIA; Hereditary factor V deficiency disease. Identifiers: Orphanet 326, MedGen C0015499, MONDO:0009210, OMIM 227400.

Allele frequency attached by ClinVar (database versions not stated): gnomAD exomes below 0.00001.
gnomAD v4.1: 1 of 1,612,174 alleles (0.000062%); highest among the groups gnomAD compares: Non-Finnish European, 0.000085%; no homozygotes.

Submission:

Labcorp Genetics (formerly Invitae), Labcorp
Classification: Pathogenic for Congenital factor V deficiency. Last evaluated: 2023-11-01. Review status: criteria provided, single submitter. Criteria: Invitae Variant Classification Sherloc (09022015). Collection method: clinical testing. Allele origin: germline.
Comment: This sequence change creates a premature translational stop signal (p.Tyr1931*) in the F5 gene. It is expected to result in an absent or disrupted protein product. Loss-of-function variants in F5 are known to be pathogenic (PMID: 30924984). This variant is not present in population databases (gnomAD no frequency). This variant has not been reported in the literature in individuals affected with F5-related conditions. Algorithms developed to predict the effect of sequence changes on RNA splicing suggest that this variant may disrupt the consensus splice site. For these reasons, this variant has been classified as Pathogenic.

Literature cited by the submitters: PubMed 30924984.